The following is an entry in ClinVar:

ClinVar aggregate classification (germline): Pathogenic. Review status: criteria provided, multiple submitters, no conflicts (2 of 4 stars). 2 submissions from 2 submitters: Pathogenic (2). Last evaluated 2024-10-28.

Conditions:
Hereditary cancer-predisposing syndrome. Also called: Tumor predisposition; Hereditary neoplastic syndrome; Neoplastic Syndromes, Hereditary; Hereditary Cancer Syndrome. Identifiers: Orphanet 140162, MedGen C0027672, MeSH D009386, MONDO:0015356.
Lynch syndrome 5 (LYNCH5). Also called: Colorectal cancer, hereditary nonpolyposis, type 5; Hereditary non-polyposis colorectal cancer, type 5. Identifiers: Orphanet 144, MedGen C1833477, MONDO:0013710, OMIM 614350. Disease mechanism: loss of function.

Submissions (2):

Ambry Genetics
Classification: Pathogenic for Hereditary cancer-predisposing syndrome. Last evaluated: 2024-10-28. Review status: criteria provided, single submitter. Criteria: Ambry Variant Classification Scheme 2023. Collection method: clinical testing. Allele origin: germline.
Comment: The c.3128dupA pathogenic mutation, located in coding exon 4 of the MSH6 gene, results from a duplication of A at nucleotide position 3128, causing a translational frameshift with a predicted alternate stop codon (p.N1043Kfs*23). This variant is considered to be rare based on population cohorts in the Genome Aggregation Database (gnomAD). This alteration is expected to result in loss of function by premature protein truncation or nonsense-mediated mRNA decay. As such, this alteration is interpreted as a disease-causing mutation.

Myriad Genetics, Inc.
Classification: Pathogenic for Lynch syndrome 5. Last evaluated: 2023-08-22. Review status: criteria provided, single submitter. Criteria: Myriad Autosomal Dominant, Autosomal Recessive and X-Linked Classification Criteria (2023). Collection method: clinical testing. Allele origin: unknown.
Comment: This variant is considered pathogenic. This variant creates a frameshift predicted to result in premature protein truncation.

NM_000179.3(MSH6):c.3128dup (p.Asn1043fs)

Gene: MSH6 (mutS homolog 6; plus strand). Cytogenetic location: 2p16.3.
Variant type: Duplication.
Coding change: c.3128dup on transcript NM_000179.3 (MANE Select); coding-DNA position 3128, one base duplicated (A; older notation c.3128dupA).
Protein change: p.Asn1043fs; shifts the reading frame from asparagine 1043.
Molecular consequence: frameshift variant. On other transcripts: non-coding transcript variant (5), intron variant (2).
Genome position (GRCh38, 1-based): chr2:47,801,111, A duplicated; the last of 5 consecutive A bases (chr2:47,801,107-47,801,111); duplicating any one gives the same sequence. VCF-style (leftmost placement, unchanged base first): chr2-47801106-T-TA. GRCh37 (hg19) VCF-style: chr2-48028245-T-TA.
Other names: c.2738dup, p.Asn913fs (NM_001281492.2); c.2222dup, p.Asn741fs (NM_001281493.2, NM_001281494.2, NM_001406811.1 and 6 more transcripts); c.3224dup, p.Asn1075fs (NM_001406795.1, NM_001406802.1); c.3128dup, p.Asn1043fs (NM_001406796.1, NM_001406798.1, NM_001406800.1 and 2 more transcripts); c.2831dup, p.Asn944fs (NM_001406797.1, NM_001406801.1, NM_001406805.1 and 10 more transcripts); c.2603dup, p.Asn868fs (NM_001406799.1, NM_001406806.1, NM_001406807.1); c.3050dup, p.Asn1017fs (NM_001406804.1); c.3134dup, p.Asn1045fs (NM_001406813.1); and 5 more; short protein forms N1017fs, N1043fs, N1045fs, N1075fs, N358fs, N741fs, N868fs, N913fs.
Identifiers: ClinVar variation 2673632 (VCV002673632.2), dbSNP rs2530715473, ClinGen allele CA2695200628.
Genomic context (GRCh38, chr2:47,801,106, plus strand): 5'-TGAAGAACGGAGGGATGTATCATTGAAGGACTGCATGCGGCGACTGTTCTATAACTTTGA[T>TA]AAAAATTACAAGGACTGGCAGTCTGCTGTAGAGTGTATCGCAGTGTTGGGTAAGACTTTG-3'